The following is an entry in ClinVar:

NM_177438.3(DICER1):c.4093C>A (p.Leu1365Ile)

Gene: DICER1 (dicer 1, ribonuclease III; minus strand). Cytogenetic location: 14q32.13.
Variant type: single nucleotide variant.
Coding change: c.4093C>A on transcript NM_177438.3 (MANE Select); coding-DNA position 4093, C replaced by A.
Protein change: p.Leu1365Ile; replaces leucine 1365 with isoleucine.
Molecular consequence: missense variant.
Genome position (GRCh38, 1-based): chr14:95,099,893, G>T on the plus strand (C>A on the coding strand, the complement: DICER1 is on the minus strand). VCF-style: chr14-95099893-G-T. GRCh37 (hg19) VCF-style: chr14-95566230-G-T.
Other names: c.4093C>A, p.Leu1365Ile (NM_001195573.1, NM_001271282.3, NM_001291628.2 and 1 more transcripts); short protein forms L1365I.
Identifiers: ClinVar variation 477181 (VCV000477181.18), dbSNP rs1250570322, ClinGen allele CA390872167.

ClinVar aggregate classification (germline): Uncertain significance. Review status: criteria provided, multiple submitters, no conflicts (2 of 4 stars). 4 submissions from 4 submitters: Uncertain significance (4). Last evaluated 2026-01-26.

Conditions:
Global developmental delay - lung cysts - overgrowth - Wilms tumor syndrome. Also called: GLOW Syndrome; GLOBAL DEVELOPMENTAL DELAY, LUNG CYSTS, OVERGROWTH, AND WILMS TUMOR. Identifiers: Orphanet 404476, MedGen C4748924, MONDO:0018445, OMIM 618272.
DICER1-related tumor predisposition. Also called: DICER1-related pleuropulmonary blastoma cancer predisposition syndrome; DICER1 syndrome. Identifiers: Orphanet 284343, MedGen C3839822, MONDO:0100216.
Hereditary cancer-predisposing syndrome. Also called: Tumor predisposition; Neoplastic Syndromes, Hereditary; Hereditary Cancer Syndrome; Hereditary neoplastic syndrome. Identifiers: Orphanet 140162, MedGen C0027672, MeSH D009386, MONDO:0015356.

Allele frequency attached by ClinVar (database versions not stated): TOPMed below 0.00001; gnomAD 0.00001; gnomAD exomes below 0.00001.
gnomAD v4.1: 6 of 1,613,890 alleles (0.00037%); highest among the groups gnomAD compares: Non-Finnish European, 0.00042%; no homozygotes.

Submissions (4):

Labcorp Genetics (formerly Invitae), Labcorp
Classification: Uncertain significance for DICER1-related tumor predisposition. Last evaluated: 2026-01-26. Review status: criteria provided, single submitter. Criteria: Invitae Variant Classification Sherloc (09022015). Collection method: clinical testing. Allele origin: germline.
Comment: This sequence change replaces leucine, which is neutral and non-polar, with isoleucine, which is neutral and non-polar, at codon 1365 of the DICER1 protein (p.Leu1365Ile). This variant is present in population databases (no rsID available, gnomAD 0.0009%). This variant has not been reported in the literature in individuals affected with DICER1-related conditions. ClinVar contains an entry for this variant (Variation ID: 477181). Invitae Evidence Modeling of protein sequence and biophysical properties (such as structural, functional, and spatial information, amino acid conservation, physicochemical variation, residue mobility, and thermodynamic stability) indicates that this missense variant is not expected to disrupt DICER1 protein function with a negative predictive value of 95%. In summary, the available evidence is currently insufficient to determine the role of this variant in disease. Therefore, it has been classified as a Variant of Uncertain Significance.

Ambry Genetics
Classification: Uncertain significance for Hereditary cancer-predisposing syndrome. Last evaluated: 2025-08-20. Review status: criteria provided, single submitter. Criteria: Ambry Variant Classification Scheme 2023. Collection method: clinical testing. Allele origin: germline.
Comment: The p.L1365I variant (also known as c.4093C>A), located in coding exon 21 of the DICER1 gene, results from a C to A substitution at nucleotide position 4093. The leucine at codon 1365 is replaced by isoleucine, an amino acid with highly similar properties. This amino acid position is highly conserved in available vertebrate species. In addition, the in silico prediction for this alteration is inconclusive. Since supporting evidence is limited at this time, the clinical significance of this alteration remains unclear.

Baylor Genetics
Classification: Uncertain significance for Global developmental delay - lung cysts - overgrowth - Wilms tumor syndrome. Last evaluated: 2023-11-04. Review status: criteria provided, single submitter. Criteria: ACMG Guidelines, 2015. Collection method: clinical testing. Allele origin: unknown.

Institute for Clinical Genetics, University Hospital TU Dresden, University Hospital TU Dresden
Classification: Uncertain significance. Last evaluated: 2021-11-03. Review status: criteria provided, single submitter. Criteria: ACMG Guidelines, 2015. Collection method: clinical testing. Allele origin: germline.